The following is an entry in ClinVar:

NM_005228.5(EGFR):c.2223C>T (p.Pro741=)

Gene: EGFR (epidermal growth factor receptor; plus strand). Cytogenetic location: 7p11.2.
Variant type: single nucleotide variant.
Coding change: c.2223C>T on transcript NM_005228.5 (MANE Select); coding-DNA position 2223, C replaced by T.
Protein change: p.Pro741=; no amino-acid change (proline 741 retained).
Molecular consequence: synonymous variant.
Genome position (GRCh38, 1-based): chr7:55,174,760, C>T. VCF-style: chr7-55174760-C-T. GRCh37 (hg19) VCF-style: chr7-55242453-C-T.
Other names: c.2223C>T (NM_005228.4); c.2088C>T, p.Pro696= (NM_001346897.2, NM_001346899.2); c.2223C>T, p.Pro741= (NM_001346898.2); c.2064C>T, p.Pro688= (NM_001346900.2); c.1422C>T, p.Pro474= (NM_001346941.2).
Identifiers: ClinVar variation 1100680 (VCV001100680.38), dbSNP rs372772241, ClinGen allele CA4266016.

ClinVar aggregate classification (germline): Benign/Likely benign. Review status: criteria provided, multiple submitters, no conflicts (2 of 4 stars). 7 submissions from 7 submitters: Benign (2); Likely benign (5). Last evaluated 2026-06-26.

Conditions:
EGFR-related disorder. Also called: EGFR-related condition.
EGFR-related lung cancer (EGFR). Identifiers: MedGen CN130014.
Lung cancer. Also called: Malignant tumor of lung; Lung cancer, somatic. Identifiers: MedGen C0242379, MONDO:0008903, OMIM 211980.
Hereditary cancer-predisposing syndrome. Also called: Neoplastic Syndromes, Hereditary; Tumor predisposition; Hereditary neoplastic syndrome; Hereditary Cancer Syndrome. Identifiers: Orphanet 140162, MedGen C0027672, MeSH D009386, MONDO:0015356.

Allele frequency attached by ClinVar (database versions not stated): gnomAD exomes 0.00004.
gnomAD v4.1: 66 of 1,613,848 alleles (0.0041%); highest among the groups gnomAD compares: Admixed American, 0.028%; no homozygotes.

Submissions (7):

PreventionGenetics, part of Exact Sciences
Classification: Likely benign for EGFR-related condition. Last evaluated: 2026-06-26. Review status: criteria provided, single submitter. Criteria: ACMG Guidelines, 2015. Collection method: clinical testing. Allele origin: germline.
Comment: This variant is classified as likely benign based on ACMG/AMP sequence variant interpretation guidelines (Richards et al. 2015 PMID: 25741868, with internal and published modifications).

Labcorp Genetics (formerly Invitae), Labcorp
Classification: Likely benign for EGFR-related lung cancer. Last evaluated: 2026-02-04. Review status: criteria provided, single submitter. Criteria: Invitae Variant Classification Sherloc (09022015). Collection method: clinical testing. Allele origin: germline.

Myriad Genetics, Inc.
Classification: Benign for Lung cancer. Last evaluated: 2024-10-16. Review status: criteria provided, single submitter. Criteria: Myriad Autosomal Dominant, Autosomal Recessive and X-Linked Classification Criteria (2023). Collection method: clinical testing. Allele origin: unknown.
Comment: This variant is considered benign. This variant is a silent/synonymous amino acid change and it is not expected to impact splicing.

Ambry Genetics
Classification: Likely benign for Hereditary cancer-predisposing syndrome. Last evaluated: 2024-08-21. Review status: criteria provided, single submitter. Criteria: Ambry Variant Classification Scheme 2023. Collection method: clinical testing. Allele origin: germline.

Quest Diagnostics Nichols Institute San Juan Capistrano
Classification: Benign. Last evaluated: 2022-08-02. Review status: criteria provided, single submitter. Criteria: Quest Diagnostics criteria. Collection method: clinical testing. Allele origin: unknown.

CeGaT Center for Human Genetics Tuebingen
Classification: Likely benign. Last evaluated: 2022-03-01. Review status: criteria provided, single submitter. Criteria: CeGaT Center For Human Genetics Tuebingen Variant Classification Criteria Version 2. Collection method: clinical testing. Allele origin: germline. Affected: yes. Observed: 1 variant allele.
Comment: EGFR: BP4, BP7

Sema4
Classification: Likely benign for Hereditary cancer-predisposing syndrome. Last evaluated: 2021-01-10. Review status: criteria provided, single submitter. Criteria: Sema4 Curation Guidelines. Collection method: curation. Allele origin: germline.